The following is an entry in ClinVar:

ClinVar aggregate classification (germline): Uncertain significance. Review status: criteria provided, multiple submitters, no conflicts (2 of 4 stars). 2 submissions from 2 submitters: Uncertain significance (2). Last evaluated 2025-11-19.

Conditions:
Hypermethioninemia with deficiency of S-adenosylhomocysteine hydrolase. Identifiers: Orphanet 88618, MedGen C3151058, MONDO:0013404, OMIM 613752.
Inborn genetic diseases. Identifiers: MedGen C0950123, MeSH D030342.

Allele frequency attached by ClinVar (database versions not stated): gnomAD exomes 0.00001; TOPMed 0.00001.
gnomAD v4.1: 19 of 1,614,130 alleles (0.0012%); highest among the groups gnomAD compares: East Asian, 0.0067%; no homozygotes.

Submissions (2):

Ambry Genetics
Classification: Uncertain significance for Inborn genetic diseases. Last evaluated: 2025-11-19. Review status: criteria provided, single submitter. Criteria: Ambry Variant Classification Scheme 2023. Collection method: clinical testing. Allele origin: germline.

Labcorp Genetics (formerly Invitae), Labcorp
Classification: Uncertain significance for Hypermethioninemia with deficiency of S-adenosylhomocysteine hydrolase. Last evaluated: 2022-06-01. Review status: criteria provided, single submitter. Criteria: Invitae Variant Classification Sherloc (09022015). Collection method: clinical testing. Allele origin: germline.
Comment: This sequence change replaces threonine, which is neutral and polar, with methionine, which is neutral and non-polar, at codon 106 of the AHCY protein (p.Thr106Met). This variant is present in population databases (no rsID available, gnomAD 0.003%). This variant has not been reported in the literature in individuals affected with AHCY-related conditions. ClinVar contains an entry for this variant (Variation ID: 1406928). Algorithms developed to predict the effect of missense changes on protein structure and function are either unavailable or do not agree on the potential impact of this missense change (SIFT: "Not Available"; PolyPhen-2: "Possibly Damaging"; Align-GVGD: "Not Available"). In summary, the available evidence is currently insufficient to determine the role of this variant in disease. Therefore, it has been classified as a Variant of Uncertain Significance.

NM_000687.4(AHCY):c.317C>T (p.Thr106Met)

Gene: AHCY (adenosylhomocysteinase; minus strand). Cytogenetic location: 20q11.22.
Variant type: single nucleotide variant.
Coding change: c.317C>T on transcript NM_000687.4 (MANE Select); coding-DNA position 317, C replaced by T.
Protein change: p.Thr106Met; replaces threonine 106 with methionine.
Molecular consequence: missense variant.
Genome position (GRCh38, 1-based): chr20:34,292,486, G>A on the plus strand (C>T on the coding strand, the complement: AHCY is on the minus strand). VCF-style: chr20-34292486-G-A. GRCh37 (hg19) VCF-style: chr20-32880292-G-A.
Other names: c.233C>T, p.Thr78Met (NM_001161766.2, NM_001322084.2, NM_001322085.2); c.323C>T, p.Thr108Met (NM_001322086.2); c.317C>T, p.Thr106Met (NM_001362750.2); c.317C>T (NM_000687.2); short protein forms T78M, T106M, T108M.
Identifiers: ClinVar variation 1406928 (VCV001406928.5), dbSNP rs910267027, ClinGen allele CA313352147.